The following is an entry in ClinVar:

NM_001365999.1(SZT2):c.6820C>G (p.Pro2274Ala)

Gene: SZT2 (SZT2 subunit of KICSTOR complex; plus strand). Cytogenetic location: 1p34.2.
Variant type: single nucleotide variant.
Coding change: c.6820C>G on transcript NM_001365999.1 (MANE Select); coding-DNA position 6820, C replaced by G.
Protein change: p.Pro2274Ala; replaces proline 2274 with alanine.
Molecular consequence: missense variant.
Genome position (GRCh38, 1-based): chr1:43,439,385, C>G. VCF-style: chr1-43439385-C-G. GRCh37 (hg19) VCF-style: chr1-43905056-C-G.
Other names: c.6649C>G, p.Pro2217Ala (NM_015284.4); short protein forms P2217A, P2274A.
Identifiers: ClinVar variation 1469886 (VCV001469886.3), dbSNP rs753916997, ClinGen allele CA810031.
Genomic context (GRCh38, chr1:43,439,385, plus strand): 5'-GCTCTTAGTGCTCTGTGGCTGTTCTTTCCCCAGCATCCACTCCCACCACAGGGTGGCCTC[C>G]CTGACTTGGACATCTACTTGTATAACAAGCCTGGTGGACAGGGCACTGGGGGCAAAGGTA-3'
Protein context (NP_001352928.1, residues 2264-2284): QHPLPPQGGL[Pro2274Ala]DLDIYLYNKP

ClinVar aggregate classification (germline): Uncertain significance (1 of 4 stars; one submission).

Allele frequency attached by ClinVar (database versions not stated): gnomAD exomes below 0.00001; ExAC 0.00001; TOPMed 0.00001; gnomAD 0.00002.
gnomAD v4.1: 3 of 1,613,706 alleles (0.00019%); highest among the groups gnomAD compares: African/African-American, 0.004%; no homozygotes.

Submission:

Labcorp Genetics (formerly Invitae), Labcorp
Classification: Uncertain significance. Last evaluated: 2022-08-09. Review status: criteria provided, single submitter. Criteria: Invitae Variant Classification Sherloc (09022015). Collection method: clinical testing. Allele origin: germline.
Comment: This sequence change replaces proline, which is neutral and non-polar, with alanine, which is neutral and non-polar, at codon 2217 of the SZT2 protein (p.Pro2217Ala). This variant is present in population databases (rs753916997, gnomAD 0.007%). This variant has not been reported in the literature in individuals affected with SZT2-related conditions. ClinVar contains an entry for this variant (Variation ID: 1469886). Algorithms developed to predict the effect of missense changes on protein structure and function (SIFT, PolyPhen-2, Align-GVGD) all suggest that this variant is likely to be tolerated. In summary, the available evidence is currently insufficient to determine the role of this variant in disease. Therefore, it has been classified as a Variant of Uncertain Significance.